The following is an entry in ClinVar:

NM_001205293.3(CACNA1E):c.2311C>T (p.Arg771Cys)

Gene: CACNA1E (calcium voltage-gated channel subunit alpha1 E; plus strand). Cytogenetic location: 1q25.3.
Variant type: single nucleotide variant.
Coding change: c.2311C>T on transcript NM_001205293.3 (MANE Select); coding-DNA position 2311, C replaced by T.
Protein change: p.Arg771Cys; replaces arginine 771 with cysteine.
Molecular consequence: missense variant.
Genome position (GRCh38, 1-based): chr1:181,732,397, C>T. VCF-style: chr1-181732397-C-T. GRCh37 (hg19) VCF-style: chr1-181701533-C-T.
Other names: c.2311C>T, p.Arg771Cys (NM_000721.4); c.2254C>T, p.Arg752Cys (NM_001205294.2); short protein forms R752C, R771C.
Identifiers: ClinVar variation 4773634 (VCV004773634.1).

ClinVar aggregate classification (germline): Uncertain significance (1 of 4 stars; one submission).

gnomAD v4.1: 3 of 1,527,300 alleles (0.0002%); highest among the groups gnomAD compares: East Asian, 0.0025%; no homozygotes.

Submission:

Labcorp Genetics (formerly Invitae), Labcorp
Classification: Uncertain significance. Last evaluated: 2025-09-14. Review status: criteria provided, single submitter. Criteria: Invitae Variant Classification Sherloc (09022015). Collection method: clinical testing. Allele origin: germline.
Comment: This sequence change replaces arginine, which is basic and polar, with cysteine, which is neutral and slightly polar, at codon 771 of the CACNA1E protein (p.Arg771Cys). This variant is not present in population databases (gnomAD no frequency). This variant has not been reported in the literature in individuals affected with CACNA1E-related conditions. Invitae Evidence Modeling of protein sequence and biophysical properties (such as structural, functional, and spatial information, amino acid conservation, physicochemical variation, residue mobility, and thermodynamic stability) has been performed for this missense variant. However, the output from this modeling did not meet the statistical confidence thresholds required to predict the impact of this variant on CACNA1E protein function. In summary, the available evidence is currently insufficient to determine the role of this variant in disease. Therefore, it has been classified as a Variant of Uncertain Significance.